The following is an entry in ClinVar:

ClinVar aggregate classification (germline): Uncertain significance (1 of 4 stars; one submission).

Submission:

GeneDx
Classification: Uncertain significance. Last evaluated: 2026-04-16. Review status: criteria provided, single submitter. Criteria: GeneDx Variant Classification Process June 2021. Collection method: clinical testing. Allele origin: germline.
Comment: No data available from control populations to assess the frequency of this variant; Has not been previously published as pathogenic or benign to our knowledge; In silico analysis supports a deleterious effect on splicing; Located in a regulatory region; in the absence of functional studies, the actual effect of this sequence change is unknown

NM_000152.5(GAA):c.-33+3G>T

Gene: GAA (alpha glucosidase; plus strand). Cytogenetic location: 17q25.3.
Variant type: single nucleotide variant.
Coding change: c.-33+3G>T on transcript NM_000152.5 (MANE Select); 3 bases into the intron after 33 bases upstream of the start codon, G replaced by T.
Molecular consequence: intron variant. On other transcripts: 5 prime UTR variant (1), non-coding transcript variant (1).
Genome position (GRCh38, 1-based): chr17:80,101,893, G>T. VCF-style: chr17-80101893-G-T. GRCh37 (hg19) VCF-style: chr17-78075692-G-T.
Other names: c.-65G>T (NM_001406742.1); c.-33+3G>T (NM_001406741.1, NM_001079803.3); c.-33+268G>T (NM_001079804.3).
Identifiers: ClinVar variation 4282236 (VCV004282236.2).
Genomic context (GRCh38, chr17:80,101,893, plus strand): 5'-TCAGCGAGGGAGGCTCTGCGCGTGCCGCAGCTGACGGGGAAACTGAGGCACGGAGCGGGT[G>T]AGACACCTGACGTCTGCCCCGCGCTGCCGGCGGTAACATCCCAGAAGCGGGTTTGAACGT-3'